The following is an entry in ClinVar:

NM_001164665.2(KIAA1549):c.3405G>C (p.Leu1135Phe)

Gene: KIAA1549 (KIAA1549; minus strand). Cytogenetic location: 7q34.
Variant type: single nucleotide variant.
Coding change: c.3405G>C on transcript NM_001164665.2 (MANE Select); coding-DNA position 3405, G replaced by C.
Protein change: p.Leu1135Phe; replaces leucine 1135 with phenylalanine.
Molecular consequence: missense variant.
Genome position (GRCh38, 1-based): chr7:138,906,974, C>G on the plus strand (G>C on the coding strand, the complement: KIAA1549 is on the minus strand). VCF-style: chr7-138906974-C-G. GRCh37 (hg19) VCF-style: chr7-138591720-C-G.
Other names: c.3405G>C, p.Leu1135Phe (NM_020910.3); c.3405G>C (NM_001164665.1); short protein forms L1135F.
Identifiers: ClinVar variation 1494218 (VCV001494218.6), dbSNP rs774563155, ClinGen allele CA4506220.

ClinVar aggregate classification (germline): Uncertain significance. Review status: criteria provided, multiple submitters, no conflicts (2 of 4 stars). 3 submissions from 3 submitters: Uncertain significance (3). Last evaluated 2024-06-25.

Conditions:
Inborn genetic diseases. Identifiers: MedGen C0950123, MeSH D030342.

Allele frequency attached by ClinVar (database versions not stated): gnomAD exomes 0.00001; ExAC 0.00003; gnomAD 0.00007 and 0.00009; TOPMed 0.00010.
gnomAD v4.1: 22 of 1,613,118 alleles (0.0014%); highest among the groups gnomAD compares: African/African-American, 0.025%; no homozygotes.

Submissions (3):

Ambry Genetics
Classification: Uncertain significance for Inborn genetic diseases. Last evaluated: 2024-06-25. Review status: criteria provided, single submitter. Criteria: Ambry Variant Classification Scheme 2023. Collection method: clinical testing. Allele origin: germline.

Labcorp Genetics (formerly Invitae), Labcorp
Classification: Uncertain significance. Last evaluated: 2023-11-27. Review status: criteria provided, single submitter. Criteria: Invitae Variant Classification Sherloc (09022015). Collection method: clinical testing. Allele origin: germline.
Comment: This sequence change replaces leucine, which is neutral and non-polar, with phenylalanine, which is neutral and non-polar, at codon 1135 of the KIAA1549 protein (p.Leu1135Phe). This variant is present in population databases (rs774563155, gnomAD 0.02%). This variant has not been reported in the literature in individuals affected with KIAA1549-related conditions. ClinVar contains an entry for this variant (Variation ID: 1494218). An algorithm developed to predict the effect of missense changes on protein structure and function (PolyPhen-2) suggests that this variant is likely to be disruptive. In summary, the available evidence is currently insufficient to determine the role of this variant in disease. Therefore, it has been classified as a Variant of Uncertain Significance.

Blueprint Genetics
Classification: Uncertain significance. Last evaluated: 2022-11-14. Review status: criteria provided, single submitter. Criteria: ACMG Guidelines, 2015. Collection method: clinical testing. Allele origin: germline.